The following is an entry in ClinVar:

ClinVar aggregate classification (germline): Pathogenic. Review status: criteria provided, single submitter (1 of 4 stars). 2 submissions from 2 submitters: Pathogenic (1). 1 of the submissions does not count toward it. Last evaluated 2018-10-08.

Conditions:
Familial cancer of breast. Also called: Hereditary breast cancer; hereditary breast carcinoma; BREAST CANCER, FAMILIAL. Identifiers: Orphanet 227535, MedGen C0346153, MONDO:0016419, OMIM 114480. Disease mechanism: loss of function.

Submissions (2):

GeneDx
Classification: Pathogenic. Last evaluated: 2018-10-08. Review status: criteria provided, single submitter. Criteria: GeneDx Variant Classification (06012015). Collection method: clinical testing. Allele origin: germline. Affected: yes.
Comment: This variant is denoted BRCA2 c.5006T>G at the cDNA level and p.Leu1669Ter (L1669X) at the protein level. The substitution creates a nonsense variant, which changes a Leucine to a premature stop codon (TTA>TGA), and is predicted to cause loss of normal protein function through either protein truncation or nonsense-mediated mRNA decay. Although this variant has not, to our knowledge, been reported in the literature, it is considered pathogenic.

Center of Medical Genetics and Primary Health Care
Classification: Pathogenic for Familial Breast cancer. Last evaluated: 2020-04-08. Review status: no assertion criteria provided. Collection method: research. Allele origin: germline. Affected: yes. Observed: 3 variant alleles, 3 heterozygotes. Not counted in ClinVar's aggregate classification.
Comment: ACMG Guidelines 2015 criteria The BRCA2 variant p. Leu1669Ter is in exon 11 in the BRCA2_REPEAT domain (F1009-2083F aa) and in a mutation hotspot region of 21 pathogenic variants (source, ClinVar) (PM1 Pathogenic Moderate). This domain, with other 39 aa repeats, participates in RAD51 binding (a key protein in DNA recombinational repair) and resistance to methyl methanesulphonate treatment. This deleterious variant truncates the protein domains and distroys its function (Chen et. Al, 1998) (PVS1 Pathogenic Very Strong; PS3 Pathogenic Strong). This variant is not found in GnomAD exomes neither in GnomAD genomes (PM2 Pathogenic Moderate). This variant is reported in ClinVar as a pathogenic variant. In our study the variant p.Leu1669Ter was found in 3 patients; Therefore, based on abovementioned data, this variant was classified as a Pathogenic.

NM_000059.4(BRCA2):c.5006T>G (p.Leu1669Ter)

Gene: BRCA2 (BRCA2 DNA repair associated; plus strand). Cytogenetic location: 13q13.1.
Variant type: single nucleotide variant.
Coding change: c.5006T>G on transcript NM_000059.4 (MANE Select); coding-DNA position 5006, T replaced by G.
Protein change: p.Leu1669Ter; replaces leucine 1669 with a stop codon.
Molecular consequence: nonsense.
Genome position (GRCh38, 1-based): chr13:32,339,361, T>G. VCF-style: chr13-32339361-T-G. GRCh37 (hg19) VCF-style: chr13-32913498-T-G.
Other names: short protein forms L1669*.
Identifiers: ClinVar variation 546002 (VCV000546002.8), dbSNP rs1555284032, ClinGen allele CA387783933.